The following is an entry in ClinVar:

ClinVar aggregate classification (germline): Likely benign (1 of 4 stars; one submission).

gnomAD v4.1: 1 of 1,613,902 alleles (0.000062%); highest among the groups gnomAD compares: Non-Finnish European, 0.000085%; no homozygotes.

Submission:

Women's Health and Genetics/Laboratory Corporation of America, LabCorp
Classification: Likely benign. Last evaluated: 2024-11-26. Review status: criteria provided, single submitter. Criteria: LabCorp Variant Classification Summary - May 2015. Collection method: clinical testing. Allele origin: germline.
Comment: Variant summary: RYR2 c.5223T>C alters a conserved nucleotide resulting in a synonymous change. Consensus agreement among computation tools predict no significant impact on normal splicing. However, these predictions have yet to be confirmed by functional studies. The variant was absent in 248920 control chromosomes. The available data on variant occurrences in the general population are insufficient to allow any conclusion about variant significance. To our knowledge, no occurrence of c.5223T>C in individuals affected with Catecholaminergic Polymorphic Ventricular Tachycardia and no experimental evidence demonstrating its impact on protein function have been reported. No submitters have cited clinical-significance assessments for this variant to ClinVar. Based on the evidence outlined above, the variant was classified as likely benign.

NM_001035.3(RYR2):c.5223T>C (p.Asp1741=)

Gene: RYR2 (ryanodine receptor 2; plus strand). Cytogenetic location: 1q43.
Variant type: single nucleotide variant.
Coding change: c.5223T>C on transcript NM_001035.3 (MANE Select); coding-DNA position 5223, T replaced by C.
Protein change: p.Asp1741=; no amino-acid change (aspartic acid 1741 retained).
Molecular consequence: synonymous variant.
Genome position (GRCh38, 1-based): chr1:237,614,351, T>C. VCF-style: chr1-237614351-T-C. GRCh37 (hg19) VCF-style: chr1-237777651-T-C.
Identifiers: ClinVar variation 3629564 (VCV003629564.2).